The following is an entry in ClinVar:

ClinVar aggregate classification (germline): Uncertain significance (1 of 4 stars; one submission).

Allele frequency attached by ClinVar (database versions not stated): gnomAD exomes below 0.00001; TOPMed below 0.00001.
gnomAD v4.1: 1 of 1,614,198 alleles (0.000062%); highest among the groups gnomAD compares: Non-Finnish European, 0.000085%; no homozygotes.

Submission:

GeneDx
Classification: Uncertain significance. Last evaluated: 2025-11-09. Review status: criteria provided, single submitter. Criteria: GeneDx Variant Classification Process June 2021. Collection method: clinical testing. Allele origin: germline. Affected: yes.
Comment: Not observed at significant frequency in large population cohorts (gnomAD); In silico analysis suggests that this missense variant does not alter protein structure/function; Has not been previously published as pathogenic or benign to our knowledge

NM_000506.5(F2):c.1829A>G (p.Lys610Arg)

Gene: F2 (coagulation factor II, thrombin; plus strand). Cytogenetic location: 11p11.2.
Variant type: single nucleotide variant.
Coding change: c.1829A>G on transcript NM_000506.5 (MANE Select); coding-DNA position 1829, A replaced by G.
Protein change: p.Lys610Arg; replaces lysine 610 with arginine.
Molecular consequence: missense variant.
Genome position (GRCh38, 1-based): chr11:46,739,368, A>G. VCF-style: chr11-46739368-A-G. GRCh37 (hg19) VCF-style: chr11-46760918-A-G.
Other names: short protein forms K610R.
Identifiers: ClinVar variation 1711913 (VCV001711913.3), dbSNP rs1240344414, ClinGen allele CA380259712.